The following is an entry in ClinVar:

ClinVar aggregate classification (germline): Likely pathogenic (1 of 4 stars; one submission).

Submission:

GeneDx
Classification: Likely pathogenic. Last evaluated: 2016-05-05. Review status: criteria provided, single submitter. Criteria: GeneDx Variant Classification (06012015). Collection method: clinical testing. Allele origin: germline. Affected: yes.
Comment: The S878F variant in the MED13L gene has not been reported previously as a pathogenic variant, nor as a benign variant, to our knowledge. The S878F variant was not observed in approximately 6500 individuals of European and African American ancestry in the NHLBI Exome Sequencing Project, indicating it is not a common benign variant in these populations. The S878F variant is a non-conservative amino acid substitution, which is likely to impact secondary protein structure as these residues differ in polarity, charge, size and/or other properties. This substitution occurs at a position that is conserved across species. In silico analysis predicts this variant is probably damaging to the protein structure/function. The S878F variant is a strong candidate for a pathogenic variant, however, the possibility it may be a rare benign variant cannot be excluded.

NM_015335.5(MED13L):c.2633C>T (p.Ser878Phe)

Gene: MED13L (mediator complex subunit 13L; minus strand). Cytogenetic location: 12q24.21.
Variant type: single nucleotide variant.
Coding change: c.2633C>T on transcript NM_015335.5 (MANE Select); coding-DNA position 2633, C replaced by T.
Protein change: p.Ser878Phe; replaces serine 878 with phenylalanine.
Molecular consequence: missense variant.
Genome position (GRCh38, 1-based): chr12:115,997,167, G>A on the plus strand (C>T on the coding strand, the complement: MED13L is on the minus strand). VCF-style: chr12-115997167-G-A. GRCh37 (hg19) VCF-style: chr12-116434972-G-A.
Other names: short protein forms S878F.
Identifiers: ClinVar variation 421145 (VCV000421145.2), dbSNP rs1064794939, ClinGen allele CA16619444.